The following is an entry in ClinVar:

NM_058216.3(RAD51C):c.714A>G (p.Leu238=)

Gene: RAD51C (RAD51 paralog C; plus strand). Cytogenetic location: 17q22.
Variant type: single nucleotide variant.
Coding change: c.714A>G on transcript NM_058216.3 (MANE Select); coding-DNA position 714, A replaced by G.
Protein change: p.Leu238=; no amino-acid change (leucine 238 retained).
Molecular consequence: synonymous variant. On other transcripts: non-coding transcript variant (1).
Genome position (GRCh38, 1-based): chr17:58,709,867, A>G. VCF-style: chr17-58709867-A-G. GRCh37 (hg19) VCF-style: chr17-56787228-A-G.
Identifiers: ClinVar variation 755249 (VCV000755249.12), dbSNP rs1251441432, ClinGen allele CA501075511.

ClinVar aggregate classification (germline): Benign/Likely benign. Review status: criteria provided, multiple submitters, no conflicts (2 of 4 stars). 3 submissions from 3 submitters: Benign (1); Likely benign (2). Last evaluated 2025-02-19.

Conditions:
Fanconi anemia complementation group O. Also called: RAD51C-Related Fanconi Anemia. Identifiers: Orphanet 84, MedGen C3150653, MONDO:0013248, OMIM 613390.
Hereditary cancer-predisposing syndrome. Also called: Tumor predisposition; Hereditary Cancer Syndrome; Neoplastic Syndromes, Hereditary; Hereditary neoplastic syndrome. Identifiers: Orphanet 140162, MedGen C0027672, MeSH D009386, MONDO:0015356.
Breast-ovarian cancer, familial, susceptibility to, 3. Also called: RAD51C-Related Breast/Ovarian Cancer. Identifiers: Orphanet 145, MedGen C3150659, MONDO:0013253, OMIM 613399.

Allele frequency attached by ClinVar (database versions not stated): gnomAD exomes below 0.00001; gnomAD 0.00001.

Submissions (3):

Myriad Genetics, Inc.
Classification: Benign for Breast-ovarian cancer, familial, susceptibility to, 3. Last evaluated: 2025-02-19. Review status: criteria provided, single submitter. Criteria: Myriad Autosomal Dominant, Autosomal Recessive and X-Linked Classification Criteria (2023). Collection method: clinical testing. Allele origin: unknown.
Comment: This variant is considered benign. This variant is a silent/synonymous amino acid change and it is not expected to impact splicing.

Labcorp Genetics (formerly Invitae), Labcorp
Classification: Likely benign for Fanconi anemia complementation group O. Last evaluated: 2023-06-27. Review status: criteria provided, single submitter. Criteria: Invitae Variant Classification Sherloc (09022015). Collection method: clinical testing. Allele origin: germline.

Ambry Genetics
Classification: Likely benign for Hereditary cancer-predisposing syndrome. Last evaluated: 2021-03-30. Review status: criteria provided, single submitter. Criteria: Ambry Variant Classification Scheme 2023. Collection method: clinical testing. Allele origin: germline.